The following is an entry in ClinVar:

NM_001035.3(RYR2):c.1336G>A (p.Asp446Asn)

Gene: RYR2 (ryanodine receptor 2; plus strand). Cytogenetic location: 1q43.
Variant type: single nucleotide variant.
Coding change: c.1336G>A on transcript NM_001035.3 (MANE Select); coding-DNA position 1336, G replaced by A.
Protein change: p.Asp446Asn; replaces aspartic acid 446 with asparagine.
Molecular consequence: missense variant.
Genome position (GRCh38, 1-based): chr1:237,454,434, G>A. VCF-style: chr1-237454434-G-A. GRCh37 (hg19) VCF-style: chr1-237617734-G-A.
Other names: short protein forms D446N.
Identifiers: ClinVar variation 926752 (VCV000926752.11), dbSNP rs748867973, ClinGen allele CA085358.

ClinVar aggregate classification (germline): Conflicting classifications of pathogenicity. Review status: criteria provided, conflicting classifications (1 of 4 stars). 2 submissions from 2 submitters: Uncertain significance (1); Likely benign (1). Last evaluated 2025-02-18.

Conditions:
Catecholaminergic polymorphic ventricular tachycardia 1. Also called: VENTRICULAR TACHYCARDIA, CATECHOLAMINERGIC POLYMORPHIC, 1, WITH OR WITHOUT ATRIAL DYSFUNCTION AND/OR DILATED CARDIOMYOPATHY; VENTRICULAR TACHYCARDIA, STRESS-INDUCED POLYMORPHIC 1; RYR2-Related Catecholaminergic Polymorphic Ventricular Tachycardia. Identifiers: Orphanet 3286, MedGen C1631597, MONDO:0011484, OMIM 604772.
Cardiomyopathy (CMYO). Also called: Cardiomyopathies. Identifiers: Orphanet 167848, MedGen C0878544, MONDO:0004994, HP:0001638. Inheritance: Various modes of inheritance.

Allele frequency attached by ClinVar (database versions not stated): ExAC 0.00001.
gnomAD v4.1: 4 of 1,612,958 alleles (0.00025%); highest among the groups gnomAD compares: East Asian, 0.0022%; no homozygotes.

Submissions (2):

Color Diagnostics, LLC DBA Color Health
Classification: Likely benign for Cardiomyopathy. Last evaluated: 2025-02-18. Review status: criteria provided, single submitter. Criteria: ACMG Guidelines, 2015. Collection method: clinical testing. Allele origin: germline.

Labcorp Genetics (formerly Invitae), Labcorp
Classification: Uncertain significance for Catecholaminergic polymorphic ventricular tachycardia 1. Last evaluated: 2021-08-27. Review status: criteria provided, single submitter. Criteria: Invitae Variant Classification Sherloc (09022015). Collection method: clinical testing. Allele origin: germline.
Comment: This sequence change replaces aspartic acid with asparagine at codon 446 of the RYR2 protein (p.Asp446Asn). The aspartic acid residue is highly conserved and there is a small physicochemical difference between aspartic acid and asparagine. This variant is present in population databases (rs748867973, ExAC 0.002%). This variant has not been reported in the literature in individuals affected with RYR2-related conditions. Algorithms developed to predict the effect of missense changes on protein structure and function are either unavailable or do not agree on the potential impact of this missense change (SIFT: "Deleterious"; PolyPhen-2: "Benign"; Align-GVGD: "Class C0"). In summary, the available evidence is currently insufficient to determine the role of this variant in disease. Therefore, it has been classified as a Variant of Uncertain Significance.